The following is an entry in ClinVar:

NM_000460.4(THPO):c.611A>T (p.Glu204Val)

Gene: THPO (thrombopoietin; minus strand). Cytogenetic location: 3q27.1.
Variant type: single nucleotide variant.
Coding change: c.611A>T on transcript NM_000460.4 (MANE Select); coding-DNA position 611, A replaced by T.
Protein change: p.Glu204Val; replaces glutamic acid 204 with valine.
Molecular consequence: missense variant. On other transcripts: synonymous variant (4).
Genome position (GRCh38, 1-based): chr3:184,372,964, T>A on the plus strand (A>T on the coding strand, the complement: THPO is on the minus strand). VCF-style: chr3-184372964-T-A. GRCh37 (hg19) VCF-style: chr3-184090752-T-A.
Other names: c.599A>T, p.Glu200Val (NM_001290022.1, NM_001177597.2); c.594A>T, p.Gly198= (NM_001290026.1, NM_001177598.2); c.495A>T, p.Gly165= (NM_001290027.1, NM_001289997.1); c.611A>T, p.Glu204Val (NM_001290028.1, NM_001289998.1); c.1031A>T, p.Glu344Val (NM_001290003.1); short protein forms E200V, E344V, E204V.
Identifiers: ClinVar variation 3672838 (VCV003672838.2).

ClinVar aggregate classification (germline): Uncertain significance (1 of 4 stars; one submission).

Submission:

Labcorp Genetics (formerly Invitae), Labcorp
Classification: Uncertain significance. Last evaluated: 2024-06-28. Review status: criteria provided, single submitter. Criteria: Invitae Variant Classification Sherloc (09022015). Collection method: clinical testing. Allele origin: germline.
Comment: This sequence change replaces glutamic acid, which is acidic and polar, with valine, which is neutral and non-polar, at codon 204 of the THPO protein (p.Glu204Val). This variant is not present in population databases (gnomAD no frequency). This variant has not been reported in the literature in individuals affected with THPO-related conditions. Advanced modeling of protein sequence and biophysical properties (such as structural, functional, and spatial information, amino acid conservation, physicochemical variation, residue mobility, and thermodynamic stability) performed at Invitae indicates that this missense variant is not expected to disrupt THPO protein function with a negative predictive value of 80%. In summary, the available evidence is currently insufficient to determine the role of this variant in disease. Therefore, it has been classified as a Variant of Uncertain Significance.